The following is an entry in ClinVar:

ClinVar aggregate classification (germline): Conflicting classifications of pathogenicity. Review status: criteria provided, conflicting classifications (1 of 4 stars). 16 submissions from 14 submitters: Uncertain significance (7); Benign (1); Likely benign (4). 4 of the submissions do not count toward it. Last evaluated 2026-02-01.

Conditions:
CRX-related disorder. Also called: CRX-related condition.
Autosomal dominant retinitis pigmentosa. Identifiers: MedGen C0339525.
Retinal dystrophy. Also called: Inherited retinal dystrophy. Identifiers: Orphanet 71862, MedGen C0854723, MeSH D058499, MONDO:0019118, HP:0000556.
Leber congenital amaurosis 7 (LCA7). Identifiers: Orphanet 65, MedGen C3151192, MONDO:0013449, OMIM 613829.
Cone-rod dystrophy 2 (CORD2). Also called: CONE-ROD RETINAL DYSTROPHY; Cone-rod retinal dystrophy 2. Identifiers: Orphanet 1872, MedGen C3489532, MONDO:0007362, OMIM 120970.
Retinitis pigmentosa (RP). Identifiers: Orphanet 791, MedGen C0035334, MeSH D012174, MONDO:0019200, OMIM 268000. Inheritance: Autosomal dominant, autosomal recessive and X linked inheritance.
Leber congenital amaurosis 1 (LCA1). Also called: RETINAL BLINDNESS, CONGENITAL; Congenital absence of the rods and cones; Leber's congenital tapetoretinal degeneration; Leber's congenital tapetoretinal dysplasia; AMAUROSIS CONGENITA OF LEBER I. Identifiers: Orphanet 65, MedGen C2931258, MONDO:0008764, OMIM 204000.

Allele frequency attached by ClinVar (database versions not stated): 1000 Genomes Project 30x 0.00016; 1000 Genomes Project 0.00020; ESP Exome Variant Server 0.00023; gnomAD 0.00032 and 0.00035; gnomAD exomes 0.00037 and 0.00055; ExAC 0.00041; TOPMed 0.00048.
gnomAD v4.1: 605 of 1,613,762 alleles (0.037%); highest among the groups gnomAD compares: Middle Eastern, 1.3%; 2 homozygotes.

Submissions (16):

Labcorp Genetics (formerly Invitae), Labcorp
Classification: Likely benign for Cone-rod dystrophy 2; Leber congenital amaurosis 7. Last evaluated: 2026-02-01. Review status: criteria provided, single submitter. Criteria: Invitae Variant Classification Sherloc (09022015). Collection method: clinical testing. Allele origin: germline.

Blueprint Genetics
Classification: Likely benign. Last evaluated: 2024-11-27. Review status: criteria provided, single submitter. Criteria: ACMG Guidelines, 2015. Collection method: clinical testing. Allele origin: germline.

Lab De Baere, Eye and Developmental Genetics Lab, Ghent University
Classification: Uncertain significance for Retinitis pigmentosa. Last evaluated: 2024-10-01. Review status: criteria provided, single submitter. Criteria: ACMG Guidelines, 2015. Collection method: research. Allele origin: inherited. Affected: yes. Observed: 1 variant allele.
Comment: ACMG/AMP guidelines: PP4_PP, PP3, PP1_PM

CeGaT Center for Human Genetics Tuebingen
Classification: Uncertain significance. Last evaluated: 2024-04-01. Review status: criteria provided, single submitter. Criteria: CeGaT Center For Human Genetics Tuebingen Variant Classification Criteria Version 2. Collection method: clinical testing. Allele origin: germline. Affected: yes. Observed: 5 variant alleles.

Genomic Medicine Center of Excellence, King Faisal Specialist Hospital and Research Centre
Classification: Likely benign for Leber congenital amaurosis 7. Last evaluated: 2024-03-26. Review status: criteria provided, single submitter. Criteria: ACMG Guidelines, 2015. Collection method: clinical testing. Allele origin: germline.

Department of Pathology and Laboratory Medicine, Sinai Health System
Classification: Uncertain significance for cone-rod dystrophy 2. Last evaluated: 2020-07-29. Review status: criteria provided, single submitter. Criteria: ACMG Guidelines, 2015. Collection method: research. Allele origin: germline.

Institute of Human Genetics, Univ. Regensburg, Univ. Regensburg
Classification: Uncertain significance for Retinal dystrophy. Last evaluated: 2020-01-01. Review status: criteria provided, single submitter. Criteria: ACMG Guidelines, 2015. Collection method: clinical testing. Allele origin: germline. Affected: yes.

Mendelics
Classification: Uncertain significance for Leber congenital amaurosis 1. Last evaluated: 2019-05-28. Review status: criteria provided, single submitter. Criteria: Mendelics Assertion Criteria 2017. Collection method: clinical testing. Allele origin: unknown.

GeneDx
Classification: Likely benign. Last evaluated: 2018-12-13. Review status: criteria provided, single submitter. Criteria: GeneDx Variant Classification Process June 2021. Collection method: clinical testing. Allele origin: germline. Affected: yes.
Comment: This variant is associated with the following publications: (PMID: 24265693, 16123401, 27884173, 27668495, 26355662)

Illumina Laboratory Services, Illumina
Classification: Benign for Cone-rod dystrophy 2. Last evaluated: 2017-04-27. Review status: criteria provided, single submitter. Criteria: ICSL Variant Classification Criteria 13 December 2019. Collection method: clinical testing. Allele origin: germline.
Comment: This variant was observed as part of a predisposition screen in an ostensibly healthy population. A literature search was performed for the gene, cDNA change, and amino acid change (where applicable). No publications were found based on this search. Allele frequency data from public databases was too high to be consistent with this variant causing disease. Therefore, this variant is classified as benign.

Illumina Laboratory Services, Illumina
Classification: Uncertain significance for Retinitis pigmentosa. Last evaluated: 2017-04-27. Review status: criteria provided, single submitter. Criteria: ICSL Variant Classification Criteria 13 December 2019. Collection method: clinical testing. Allele origin: germline.

Illumina Laboratory Services, Illumina
Classification: Uncertain significance for Leber congenital amaurosis 7. Last evaluated: 2017-04-27. Review status: criteria provided, single submitter. Criteria: ICSL Variant Classification Criteria 13 December 2019. Collection method: clinical testing. Allele origin: germline.

PreventionGenetics, part of Exact Sciences
Classification: Likely benign for CRX-related condition. Last evaluated: 2024-09-12. Review status: no assertion criteria provided. Collection method: clinical testing. Allele origin: germline. Not counted in ClinVar's aggregate classification.
Comment: This variant is classified as likely benign based on ACMG/AMP sequence variant interpretation guidelines (Richards et al. 2015 PMID: 25741868, with internal and published modifications).

Department of Clinical Genetics, Copenhagen University Hospital, Rigshospitalet
Classification: Uncertain significance for Retinitis pigmentosa. Last evaluated: 2018-04-01. Review status: no assertion criteria provided. Collection method: research. Allele origin: unknown. Affected: yes. Study: VeluxRD. Not counted in ClinVar's aggregate classification.

Faculty of Health Sciences, Beirut Arab University
Classification: Pathogenic for Autosomal dominant Retinitis Pigmentosa. Last evaluated: 2015-09-10. Review status: no assertion criteria provided. Collection method: literature only. Allele origin: germline. Affected: yes. Observed: 2 variant alleles. Not counted in ClinVar's aggregate classification.

Retina International
No classification provided. Review status: no classification provided. Collection method: not provided. Allele origin: not provided. Not counted in ClinVar's aggregate classification.

Literature cited by the submitters: PubMed 16123401 (cited by Institute of Human Genetics, Univ. Regensburg, Univ. Regensburg); PubMed 24265693 (cited by Institute of Human Genetics, Univ. Regensburg, Univ. Regensburg); PubMed 27884173 (cited by Institute of Human Genetics, Univ. Regensburg, Univ. Regensburg); PubMed 27668495 (cited by Institute of Human Genetics, Univ. Regensburg, Univ. Regensburg); PubMed 26355662 (cited by Institute of Human Genetics, Univ. Regensburg, Univ. Regensburg and Faculty of Health Sciences, Beirut Arab University); PubMed 34426522 (cited by Institute of Human Genetics, Univ. Regensburg, Univ. Regensburg); PubMed 30718709 (cited by Department of Clinical Genetics, Copenhagen University Hospital, Rigshospitalet).

NM_000554.6(CRX):c.425A>G (p.Tyr142Cys)

Gene: CRX (cone-rod homeobox; plus strand). Cytogenetic location: 19q13.33.
Variant type: single nucleotide variant.
Coding change: c.425A>G on transcript NM_000554.6 (MANE Select); coding-DNA position 425, A replaced by G.
Protein change: p.Tyr142Cys; replaces tyrosine 142 with cysteine.
Molecular consequence: missense variant.
Genome position (GRCh38, 1-based): chr19:47,839,492, A>G. VCF-style: chr19-47839492-A-G. GRCh37 (hg19) VCF-style: chr19-48342749-A-G.
Other names: c.425A>G (NM_000554.5); short protein forms Y142C.
Identifiers: ClinVar variation 99605 (VCV000099605.63), dbSNP rs61748442, ClinGen allele CA227624.